The following is an entry in ClinVar:

NM_006361.6(HOXB13):c.602-3C>A

Gene: HOXB13 (homeobox B13; minus strand). Cytogenetic location: 17q21.32.
Variant type: single nucleotide variant.
Coding change: c.602-3C>A on transcript NM_006361.6 (MANE Select); 3 bases into the intron before coding-DNA position 602, C replaced by A.
Molecular consequence: intron variant.
Genome position (GRCh38, 1-based): chr17:48,727,046, G>T on the plus strand (C>A on the coding strand, the complement: HOXB13 is on the minus strand). VCF-style: chr17-48727046-G-T. GRCh37 (hg19) VCF-style: chr17-46804408-G-T.
Identifiers: ClinVar variation 691070 (VCV000691070.9), dbSNP rs1597933077, ClinGen allele CA915950296.

ClinVar aggregate classification (germline): Uncertain significance. Review status: criteria provided, multiple submitters, no conflicts (2 of 4 stars). 3 submissions from 3 submitters: Uncertain significance (2). 1 of the submissions does not count toward it. Last evaluated 2025-04-16.

Conditions:
Prostate cancer, hereditary, 1 (HPC1). Identifiers: Orphanet 1331, MedGen C4722327, MONDO:0011098, OMIM 601518.
Hereditary cancer-predisposing syndrome. Also called: Neoplastic Syndromes, Hereditary; Tumor predisposition; Hereditary neoplastic syndrome; Hereditary Cancer Syndrome. Identifiers: Orphanet 140162, MedGen C0027672, MeSH D009386, MONDO:0015356.

Submissions (3):

Ambry Genetics
Classification: Uncertain significance for Hereditary cancer-predisposing syndrome. Last evaluated: 2025-04-16. Review status: criteria provided, single submitter. Criteria: Ambry Variant Classification Scheme 2023. Collection method: clinical testing. Allele origin: germline.
Comment: The c.602-3C>A intronic variant results from a C to A substitution 3 nucleotides upstream from coding exon 2 in the HOXB13 gene. This nucleotide position is well conserved in available vertebrate species. In silico splice site analysis predicts that this alteration will not have any significant effect on splicing. Based on the available evidence, the clinical significance of this variant remains unclear.

Labcorp Genetics (formerly Invitae), Labcorp
Classification: Uncertain significance. Last evaluated: 2024-03-01. Review status: criteria provided, single submitter. Criteria: Invitae Variant Classification Sherloc (09022015). Collection method: clinical testing. Allele origin: germline.
Comment: This sequence change falls in intron 1 of the HOXB13 gene. It does not directly change the encoded amino acid sequence of the HOXB13 protein. It affects a nucleotide within the consensus splice site. This variant is not present in population databases (gnomAD no frequency). This variant has not been reported in the literature in individuals affected with HOXB13-related conditions. ClinVar contains an entry for this variant (Variation ID: 691070). Variants that disrupt the consensus splice site are a relatively common cause of aberrant splicing (PMID: 17576681, 9536098). Algorithms developed to predict the effect of sequence changes on RNA splicing suggest that this variant is not likely to affect RNA splicing. In summary, the available evidence is currently insufficient to determine the role of this variant in disease. Therefore, it has been classified as a Variant of Uncertain Significance.

Laboratory of Virology, Microbiology,  Quality and Medical Biotechnologies, Faculty of Sciences and Techniques - Mohammedia, Hassan II University of Casablanca
Classification: Uncertain significance for Prostate cancer, hereditary, 1. Review status: no assertion criteria provided. Collection method: clinical testing. Allele origin: somatic. Affected: yes. Not counted in ClinVar's aggregate classification.

Literature cited by the submitters: PubMed 17576681 (cited by Labcorp Genetics (formerly Invitae), Labcorp); PubMed 9536098 (cited by Labcorp Genetics (formerly Invitae), Labcorp).